The following is an entry in ClinVar:

ClinVar aggregate classification (germline): Uncertain significance (1 of 4 stars; one submission).

Conditions:
Primary ciliary dyskinesia. Also called: Ciliary dyskinesia. Identifiers: Orphanet 244, MedGen C0008780, MONDO:0016575, HP:0012265.

Allele frequency attached by ClinVar (database versions not stated): gnomAD exomes below 0.00001.
gnomAD v4.1: 2 of 1,614,148 alleles (0.00012%); highest among the groups gnomAD compares: East Asian, 0.0022%; no homozygotes.

Submission:

Labcorp Genetics (formerly Invitae), Labcorp
Classification: Uncertain significance for Primary ciliary dyskinesia. Last evaluated: 2023-08-28. Review status: criteria provided, single submitter. Criteria: Invitae Variant Classification Sherloc (09022015). Collection method: clinical testing. Allele origin: germline.
Comment: In summary, the available evidence is currently insufficient to determine the role of this variant in disease. Therefore, it has been classified as a Variant of Uncertain Significance. Experimental studies and prediction algorithms are not available or were not evaluated, and the functional significance of this variant is currently unknown. This variant has not been reported in the literature in individuals affected with DNAH8-related conditions. This variant is not present in population databases (gnomAD no frequency). This sequence change replaces lysine, which is basic and polar, with glutamic acid, which is acidic and polar, at codon 402 of the DNAH8 protein (p.Lys402Glu).

NM_001206927.2(DNAH8):c.1204A>G (p.Lys402Glu)

Gene: DNAH8 (dynein axonemal heavy chain 8; plus strand). Cytogenetic location: 6p21.2.
Variant type: single nucleotide variant.
Coding change: c.1204A>G on transcript NM_001206927.2 (MANE Select); coding-DNA position 1204, A replaced by G.
Protein change: p.Lys402Glu; replaces lysine 402 with glutamic acid.
Molecular consequence: missense variant.
Genome position (GRCh38, 1-based): chr6:38,741,798, A>G. VCF-style: chr6-38741798-A-G. GRCh37 (hg19) VCF-style: chr6-38709574-A-G.
Other names: c.553A>G, p.Lys185Glu (NM_001371.4); short protein forms K185E, K402E.
Identifiers: ClinVar variation 2744497 (VCV002744497.3), dbSNP rs2534104800, ClinGen allele CA363987639.